The following is an entry in ClinVar:

ClinVar aggregate classification (germline): Uncertain significance. Review status: reviewed by expert panel (3 of 4 stars). 6 submissions from 6 submitters: Uncertain significance (1). 5 of the submissions do not count toward it. Last evaluated 2025-12-02.

Conditions:
BRCA1-related cancer predisposition. Identifiers: MedGen CN377757, MONDO:0700268.
Hereditary cancer-predisposing syndrome. Also called: Hereditary Cancer Syndrome; Neoplastic Syndromes, Hereditary; Hereditary neoplastic syndrome; Tumor predisposition. Identifiers: Orphanet 140162, MedGen C0027672, MeSH D009386, MONDO:0015356.
Breast-ovarian cancer, familial, susceptibility to, 1 (BROVCA1). Also called: BRCA1 Hereditary Breast and Ovarian Cancer; OVARIAN CANCER, SUSCEPTIBILITY TO. Identifiers: Orphanet 145, MedGen C2676676, MONDO:0011450, OMIM 604370. Disease mechanism: loss of function.
Hereditary breast ovarian cancer syndrome. Also called: Hereditary breast and/or ovarian cancer syndrome; Hereditary breast and ovarian cancer syndrome; Hereditary breast and ovarian cancer; Hereditary breast and ovarian cancer syndrome (HBOC); Breast and ovarian cancer; BRCA1- and BRCA2-Associated Hereditary Breast and Ovarian Cancer. Identifiers: Orphanet 145, MedGen C0677776, MeSH D061325, MONDO:0003582. Disease mechanism: loss of function.

Submissions (7):

ClinGen ENIGMA BRCA1 and BRCA2 Variant Curation Expert Panel, ClinGen
Classification: Uncertain significance for BRCA1-related cancer predisposition. Last evaluated: 2025-12-02. Review status: reviewed by expert panel. Criteria: CSpec BRCA12ACMG Rules Specifications V1.1. Collection method: curation. Allele origin: germline. Inheritance: Autosomal dominant inheritance.
Comment: The c.5254G>A variant in BRCA1 is a missense variant predicted to cause substitution of Alanine by Threonine at amino acid 1752 (p.(Ala1752Thr)). This variant is absent from gnomAD v2.1 (exomes only, non-cancer subset, read depth ≥25) and gnomAD v3.1 (non-cancer subset, read depth ≥25) (PM2_Supporting met). Reported by three calibrated studies to exhibit protein function similar to pathogenic control variants (PMIDs:30209399, 30257991, 38709234) (PS3 met). This BRCA1 missense variant is within a key functional domain and the computational predictor BayesDel (noAF) gives a score of 0.1, which is below the recommended threshold of 0.15 for predicting no impact on BRCA1 via protein change. A SpliceAI score of 0 predicts no impact on splicing (score threshold <0.10) (BP4 met). Multifactorial likelihood ratio analysis using clinically calibrated data produced a combined LR for this variant of 1.12 (based on Cosegregation LR=1.12), which is above the ENIGMA BRCA1/2 VCEP threshold for BP5 (>0.48) and below PP4 (<2.08) (BP5 and PP4 not met; Internal lab contributor). In summary, this variant meets the criteria to be classified as a Variant of uncertain significance for BRCA1-related cancer predisposition based on the ACMG/AMP criteria applied as specified by the ENIGMA BRCA1/2 VCEP (PM2_Supporting, PS3, BP4).

Labcorp Genetics (formerly Invitae), Labcorp
Classification: Uncertain significance for Hereditary breast ovarian cancer syndrome. Last evaluated: 2025-07-23. Review status: criteria provided, single submitter. Criteria: Invitae Variant Classification Sherloc (09022015). Collection method: clinical testing. Allele origin: germline. Not counted in ClinVar's aggregate classification.
Comment: This sequence change replaces alanine, which is neutral and non-polar, with threonine, which is neutral and polar, at codon 1752 of the BRCA1 protein (p.Ala1752Thr). This variant is not present in population databases (gnomAD no frequency). This missense change has been observed in individual(s) with ovarian cancer (PMID: 33078592). ClinVar contains an entry for this variant (Variation ID: 96944). Invitae Evidence Modeling incorporating data from in vitro experimental studies (PMID: 30209399) indicates that this missense variant is expected to disrupt BRCA1 function with a positive predictive value of 95%. Experimental studies have shown that this missense change affects BRCA1 function (PMID: 24845084, 28781887, 30209399, 30257991). In summary, the available evidence is currently insufficient to determine the role of this variant in disease. Therefore, it has been classified as a Variant of Uncertain Significance.

Color Diagnostics, LLC DBA Color Health
Classification: Uncertain significance for Hereditary cancer-predisposing syndrome. Last evaluated: 2023-10-01. Review status: criteria provided, single submitter. Criteria: ACMG Guidelines, 2015. Collection method: clinical testing. Allele origin: germline. Not counted in ClinVar's aggregate classification.
Comment: This missense variant replaces alanine with threonine at codon 1752 of the BRCA1 protein. Computational prediction is inconclusive regarding the impact of this variant on protein structure and function (internally defined REVEL score threshold 0.5 < inconclusive < 0.7, PMID: 27666373). Functional studies have reported that this variant impacts BRCA1 function in transcription activation, homology-directed DNA repair and a haploid cell proliferation assays (PMID: 24845084, 30209399, 30257991). This variant has been reported in an individual affected with ovarian cancer who underwent testing for the BRCA1 and BRCA2 genes (PMID: 33078592, 34063308). This variant has not been identified in the general population by the Genome Aggregation Database (gnomAD). Although there is a suspicion that this variant may be associated with disease, additional clinical studies are necessary to determine the role of this variant in disease conclusively. Therefore, this variant is classified as a Variant of Uncertain Significance.

Ambry Genetics
Classification: Likely pathogenic for Hereditary cancer-predisposing syndrome. Last evaluated: 2022-09-29. Review status: criteria provided, single submitter. Criteria: Ambry Variant Classification Scheme 2023. Collection method: clinical testing. Allele origin: germline. Not counted in ClinVar's aggregate classification.
Comment: The p.A1752T variant (also known as c.5254G>A), located in coding exon 18 of the BRCA1 gene, results from a G to A substitution at nucleotide position 5254. The alanine at codon 1752 is replaced by threonine, an amino acid with similar properties. Multiple functional studies have show this alteration to be non-functional (Carvalho RS et al. PLoS One, 2014 May;9:e97766; Findlay GM et al. Nature, 2018 10;562:217-222; Fernandes VC et al. J Biol Chem, 2019 04;294:5980-5992; Petitalot A et al. Mol Cancer Res, 2019 01;17:54-69). This alteration has been identified in individuals diagnosed with breast and/or ovarian cancer (Ha HI et al. J Gynecol Oncol, 2020 Nov;31:e83; Park KS et al. Cancers (Basel), 2021 May;13). This amino acid position is well conserved in available vertebrate species. In addition, the in silico prediction for this alteration is inconclusive. Based on internal structural analysis, this variant is anticipated to result in a decrease in structural stability (Ambry internal data). This variant was not reported in population-based cohorts in the Genome Aggregation Database (gnomAD). Based on the majority of available evidence to date, this variant is likely to be pathogenic.

GeneDx
Classification: Likely pathogenic. Last evaluated: 2019-05-24. Review status: criteria provided, single submitter. Criteria: GeneDx Variant Classification Process June 2021. Collection method: clinical testing. Allele origin: germline. Affected: yes. Not counted in ClinVar's aggregate classification.
Comment: Not observed in large population cohorts (Lek et al., 2016); This variant is associated with the following publications: (PMID: 28781887, 30209399, 30765603, 24845084, 30257991)

Sharing Clinical Reports Project (SCRP)
Classification: Uncertain significance for Breast-ovarian cancer, familial 1. Last evaluated: 2009-02-07. Review status: no assertion criteria provided. Collection method: clinical testing. Allele origin: germline. Not counted in ClinVar's aggregate classification.

Brotman Baty Institute, University of Washington
No classification provided (evidence only). Condition: Breast-ovarian cancer, familial 1. Review status: no classification provided. Collection method: in vitro. Allele origin: not applicable. Functional consequence: functionally_abnormal. Not counted in ClinVar's aggregate classification.
ClinVar note: "not provided" was previously submitted as the classification for the variant. However, the classification appeared to be based only on an observation of functional data so it was converted to no classification on 2025-07-30.

Literature cited by the submitters: PubMed 33078592 (cited by 3 submitters); PubMed 30209399 (cited by 3 submitters); PubMed 24845084 (cited by 3 submitters); PubMed 28781887 (cited by Labcorp Genetics (formerly Invitae), Labcorp); PubMed 30257991 (cited by 3 submitters); PubMed 34063308 (cited by Color Diagnostics, LLC DBA Color Health and Ambry Genetics); PubMed 30765603 (cited by Ambry Genetics).

NM_007294.4(BRCA1):c.5254G>A (p.Ala1752Thr)

Gene: BRCA1 (BRCA1 DNA repair associated; minus strand). Cytogenetic location: 17q21.31.
Variant type: single nucleotide variant.
Coding change: c.5254G>A on transcript NM_007294.4 (MANE Select); coding-DNA position 5254, G replaced by A.
Protein change: p.Ala1752Thr; replaces alanine 1752 with threonine.
Molecular consequence: missense variant. On other transcripts: non-coding transcript variant (1).
Genome position (GRCh38, 1-based): chr17:43,057,075, C>T on the plus strand (G>A on the coding strand, the complement: BRCA1 is on the minus strand). VCF-style: chr17-43057075-C-T. GRCh37 (hg19) VCF-style: chr17-41209092-C-T.
Other names: NM_007294.4(BRCA1):c.5254G>A; p.Ala1752Thr; 5373G>A; c.5041G>A, p.Ala1681Thr (NM_001407571.1, NM_001407894.1, NM_001407895.1 and 12 more transcripts); c.5320G>A, p.Ala1774Thr (NM_001407581.1, NM_001407582.1); c.5317G>A, p.Ala1773Thr (NM_001407583.1, NM_001407585.1, NM_001407587.1 and 1 more transcripts); c.5314G>A, p.Ala1772Thr (NM_001407590.1, NM_001407591.1); c.5254G>A, p.Ala1752Thr (NM_001407593.1, NM_001407594.1, NM_001407596.1 and 7 more transcripts); and 75 more; short protein forms A1752T, A1773T, A1705T, A648T, A1583T, A1623T, A1663T, A1664T.
Identifiers: ClinVar variation 96944 (VCV000096944.20), dbSNP rs80357074, ClinGen allele CA003393.
Genomic context (GRCh38, chr17:43,057,075, plus strand): 5'-GGTGAGATTTTTGTCAACTTGAGGGAGGGAGCTTTACCTTTCTGTCCTGGGATTCTCTTG[C>T]TCGCTTTGGACCTTGGTGGTTTCTTCCATTGACCACATCTCCTCTGACTTCAAAATCATG-3'
Protein context (NP_009225.1, residues 1742-1762): NGRNHQGPKR[Ala1752Thr]RESQDRKIFR